The following is an entry in ClinVar:

NM_003737.4(DCHS1):c.8197G>A (p.Gly2733Arg)

Gene: DCHS1 (dachsous cadherin-related 1; minus strand). Cytogenetic location: 11p15.4.
Variant type: single nucleotide variant.
Coding change: c.8197G>A on transcript NM_003737.4 (MANE Select); coding-DNA position 8197, G replaced by A.
Protein change: p.Gly2733Arg; replaces glycine 2733 with arginine.
Molecular consequence: missense variant.
Genome position (GRCh38, 1-based): chr11:6,623,479, C>T on the plus strand (G>A on the coding strand, the complement: DCHS1 is on the minus strand). VCF-style: chr11-6623479-C-T. GRCh37 (hg19) VCF-style: chr11-6644710-C-T.
Other names: short protein forms G2733R.
Identifiers: ClinVar variation 1949761 (VCV001949761.5), dbSNP rs769785326, ClinGen allele CA5859470.

ClinVar aggregate classification (germline): Uncertain significance (1 of 4 stars; one submission).

Allele frequency attached by ClinVar (database versions not stated): TOPMed below 0.00001; gnomAD 0.00001; ExAC 0.00006.
gnomAD v4.1: 47 of 1,585,488 alleles (0.003%); highest among the groups gnomAD compares: East Asian, 0.035%; no homozygotes.

Submission:

Labcorp Genetics (formerly Invitae), Labcorp
Classification: Uncertain significance. Last evaluated: 2025-12-24. Review status: criteria provided, single submitter. Criteria: Invitae Variant Classification Sherloc (09022015). Collection method: clinical testing. Allele origin: germline.
Comment: This sequence change replaces glycine, which is neutral and non-polar, with arginine, which is basic and polar, at codon 2733 of the DCHS1 protein (p.Gly2733Arg). This variant is present in population databases (rs769785326, gnomAD 0.05%). This variant has not been reported in the literature in individuals affected with DCHS1-related conditions. ClinVar contains an entry for this variant (Variation ID: 1949761). Invitae Evidence Modeling of protein sequence and biophysical properties (such as structural, functional, and spatial information, amino acid conservation, physicochemical variation, residue mobility, and thermodynamic stability) indicates that this missense variant is not expected to disrupt DCHS1 protein function with a negative predictive value of 80%. In summary, the available evidence is currently insufficient to determine the role of this variant in disease. Therefore, it has been classified as a Variant of Uncertain Significance.